The following is an entry in ClinVar:

ClinVar aggregate classification (germline): Uncertain significance (1 of 4 stars; one submission).

Submission:

Dasa
Classification: Uncertain significance. Last evaluated: 2025-09-16. Review status: criteria provided, single submitter. Criteria: DASA Assertion Criteria. Collection method: clinical testing. Allele origin: germline.
Comment: NM_152641.4(ARID2):c.164C>T (p.Thr55Ile) is a missense variant that results in the substitution of threonine with isoleucine. This variant is absent from population databases. Computational prediction algorithms are consistent with a benign effect. The currently available literature and clinical evidence are not sufficient to establish a definitive association between this variant and the reported condition. Therefore, this variant is classified as a variant of uncertain significance.

NM_152641.4(ARID2):c.164C>T (p.Thr55Ile)

Genes: ARID2 (AT-rich interaction domain 2; plus strand), LOC130007728 (ATAC-STARR-seq lymphoblastoid silent region 4376; plus strand). Cytogenetic location: 12q12.
Variant type: single nucleotide variant.
Coding change: c.164C>T on transcript NM_152641.4 (MANE Select); coding-DNA position 164, C replaced by T.
Protein change: p.Thr55Ile; replaces threonine 55 with isoleucine.
Molecular consequence: missense variant.
Genome position (GRCh38, 1-based): chr12:45,730,115, C>T. VCF-style: chr12-45730115-C-T. GRCh37 (hg19) VCF-style: chr12-46123898-C-T.
Other names: c.164C>T, p.Thr55Ile (NM_001347839.2); short protein forms T55I.
Identifiers: ClinVar variation 4882815 (VCV004882815.2).
Genomic context (GRCh38, chr12:45,730,115, plus strand): 5'-AAAAAATCCCTGCGGTGGGTGGGAAGGAGCTGGATCTTCACGGTCTCTACACCAGAGTCA[C>T]TACTTTAGGCGGATTCGCGAAGGTGAGTGGAAGTTTTAATTTGTATTTCCCTCTCGCTGG-3'
Protein context (NP_689854.2, residues 45-65): LDLHGLYTRV[Thr55Ile]TLGGFAKVSE